The following is an entry in ClinVar:

ClinVar aggregate classification (germline): Benign/Likely benign. Review status: criteria provided, multiple submitters, no conflicts (2 of 4 stars). 4 submissions from 4 submitters: Benign (1); Likely benign (3). Last evaluated 2025-09-20.

Conditions:
Hereditary cancer-predisposing syndrome. Also called: Neoplastic Syndromes, Hereditary; Tumor predisposition; Hereditary Cancer Syndrome; Hereditary neoplastic syndrome. Identifiers: Orphanet 140162, MedGen C0027672, MeSH D009386, MONDO:0015356.
Familial cancer of breast. Also called: BREAST CANCER, FAMILIAL; hereditary breast carcinoma; Hereditary breast cancer. Identifiers: Orphanet 227535, MedGen C0346153, MONDO:0016419, OMIM 114480. Disease mechanism: loss of function.

Allele frequency attached by ClinVar (database versions not stated): ExAC 0.00001; gnomAD exomes 0.00001.
gnomAD v4.1: 15 of 1,613,694 alleles (0.00093%); highest among the groups gnomAD compares: Non-Finnish European, 0.0013%; no homozygotes.

Submissions (4):

Labcorp Genetics (formerly Invitae), Labcorp
Classification: Likely benign for Familial cancer of breast. Last evaluated: 2025-09-20. Review status: criteria provided, single submitter. Criteria: Invitae Variant Classification Sherloc (09022015). Collection method: clinical testing. Allele origin: germline.

Myriad Genetics, Inc.
Classification: Benign for Familial cancer of breast. Last evaluated: 2024-10-01. Review status: criteria provided, single submitter. Criteria: Myriad Autosomal Dominant, Autosomal Recessive and X-Linked Classification Criteria (2023). Collection method: clinical testing. Allele origin: unknown.
Comment: This variant is considered benign. This variant is a silent/synonymous amino acid change and it is not expected to impact splicing.

Color Diagnostics, LLC DBA Color Health
Classification: Likely benign for Hereditary cancer-predisposing syndrome. Last evaluated: 2018-11-29. Review status: criteria provided, single submitter. Criteria: ACMG Guidelines, 2015. Collection method: clinical testing. Allele origin: germline.

Ambry Genetics
Classification: Likely benign for Hereditary cancer-predisposing syndrome. Last evaluated: 2015-08-12. Review status: criteria provided, single submitter. Criteria: Ambry Variant Classification Scheme 2023. Collection method: clinical testing. Allele origin: germline.

NM_007194.4(CHEK2):c.249A>G (p.Gln83=)

Gene: CHEK2 (checkpoint kinase 2; minus strand). Cytogenetic location: 22q12.1.
Variant type: single nucleotide variant.
Coding change: c.249A>G on transcript NM_007194.4 (MANE Select); coding-DNA position 249, A replaced by G.
Protein change: p.Gln83=; no amino-acid change (glutamine 83 retained).
Molecular consequence: synonymous variant.
Genome position (GRCh38, 1-based): chr22:28,734,473, T>C on the plus strand (A>G on the coding strand, the complement: CHEK2 is on the minus strand). VCF-style: chr22-28734473-T-C. GRCh37 (hg19) VCF-style: chr22-29130461-T-C.
Other names: c.249A>G, p.Gln83= (NM_001005735.3, NM_001349956.3, NM_145862.3); c.-529A>G (NM_001257387.3).
Identifiers: ClinVar variation 233347 (VCV000233347.19), dbSNP rs776271158, ClinGen allele CA10168055.